The following is an entry in ClinVar:

ClinVar aggregate classification (germline): Pathogenic/Likely pathogenic. Review status: criteria provided, multiple submitters, no conflicts (2 of 4 stars). 9 submissions from 9 submitters: Pathogenic (4); Likely pathogenic (4). 1 of the submissions does not count toward it. Last evaluated 2025-12-31.

Conditions:
SPAST-related disorder. Also called: SPAST-related condition.
Hereditary spastic paraplegia 4. Also called: Spastic paraplegia 4, autosomal dominant; Spastic Paraplegia 4; Familial spastic paraplegia autosomal dominant 2. Identifiers: Orphanet 100985, MedGen C1866855, MONDO:0008438, OMIM 182601.
Hereditary spastic paraplegia. Also called: Familial spastic paraparesis. Identifiers: Orphanet 685, MedGen C0037773, MONDO:0019064. Disease mechanism: loss of function.

Submissions (9):

Labcorp Genetics (formerly Invitae), Labcorp
Classification: Pathogenic for Hereditary spastic paraplegia 4. Last evaluated: 2025-12-31. Review status: criteria provided, single submitter. Criteria: Invitae Variant Classification Sherloc (09022015). Collection method: clinical testing. Allele origin: germline.
Comment: This sequence change replaces glycine, which is neutral and non-polar, with aspartic acid, which is acidic and polar, at codon 559 of the SPAST protein (p.Gly559Asp). This variant is not present in population databases (gnomAD no frequency). This missense change has been observed in individuals with hereditary spastic paraplegia (PMID: 11087788, 11843700, 15248095, 17598600, 20718791, 22960362; internal data). It has also been observed to segregate with disease in related individuals. Invitae Evidence Modeling of clinical and family history, age, sex, and reported ancestry of multiple individuals with this SPAST variant has been performed. This variant is expected to be pathogenic with a positive predictive value of at least 99%. This is a validated machine learning model that incorporates the clinical features of 4,195 individuals referred to our laboratory for SPAST testing. This variant is also known as Gly527Asp, 1583G>A and c.G1801A. ClinVar contains an entry for this variant (Variation ID: 219608). Invitae Evidence Modeling of protein sequence and biophysical properties (such as structural, functional, and spatial information, amino acid conservation, physicochemical variation, residue mobility, and thermodynamic stability) has been performed for this missense variant. However, the output from this modeling did not meet the statistical confidence thresholds required to predict the impact of this variant on SPAST protein function. For these reasons, this variant has been classified as Pathogenic.

GeneDx
Classification: Likely pathogenic. Last evaluated: 2025-10-14. Review status: criteria provided, single submitter. Criteria: GeneDx Variant Classification Process June 2021. Collection method: clinical testing. Allele origin: germline. Affected: yes.
Comment: Reported multiple times in individuals with spastic paraplegia (PMID: 20718791, 11087788, 11843700, 22960362); In silico analysis supports that this missense variant has a deleterious effect on protein structure/function; Not observed at significant frequency in large population cohorts (gnomAD); This variant is associated with the following publications: (PMID: 11087788, 17598600, 11843700, 31285604, 22960362, 15248095, 21139634, 26094131, 35487127, 20718791, 24453961, 33397523, 30937429, 26986070, 18410514)

Mayo Clinic Laboratories, Mayo Clinic
Classification: Likely pathogenic. Last evaluated: 2024-12-30. Review status: criteria provided, single submitter. Criteria: ACMG Guidelines, 2015. Collection method: clinical testing. Allele origin: germline. Observed: 2 variant alleles.
Comment: PP1, PP3_moderate, PM2_supporting, PS4_moderate

SIB Swiss Institute of Bioinformatics
Classification: Likely pathogenic for Hereditary spastic paraplegia 4. Last evaluated: 2024-12-04. Review status: criteria provided, single submitter. Criteria: ACMG Guidelines, 2015. Collection method: curation. Allele origin: unknown. Inheritance: Autosomal dominant inheritance.
Comment: This variant is interpreted as likely pathogenic for Spastic paraplegia 4, autosomal dominant. This missense change is absent from large population cohorts (gnomAD v4.1.0; PM2_supporting); it has been observed in multiple unrelated patients (PMID: 11087788, 11843700, 17598600, 20718791; PS4_moderate); computational evidence support a damaging effect on gene or gene product (PP3_moderate REVEL 0.894); this change affects an amino acid residue where a different missense change has been determined to be pathogenic/likely pathogenic (p.Gly559Arg PMID: 22960362, 27688599; PM5_moderate).

Women's Health and Genetics/Laboratory Corporation of America, LabCorp
Classification: Pathogenic for Hereditary spastic paraplegia 4. Last evaluated: 2024-05-22. Review status: criteria provided, single submitter. Criteria: LabCorp Variant Classification Summary - May 2015. Collection method: clinical testing. Allele origin: germline.
Comment: Variant summary: SPAST c.1676G>A (p.Gly559Asp) results in a non-conservative amino acid change in the encoded protein sequence. Four of five in-silico tools predict a damaging effect of the variant on protein function. The variant was absent in 249424 control chromosomes. c.1676G>A has been reported in the literature in multiple individuals affected with utosomal dominant Hereditary Spastic Paraplegia (example, Hentati_2000, Meijer_2002, Meijer_2007, Svenson_2004). These data indicate that the variant is very likely to be associated with disease. To our knowledge, no experimental evidence demonstrating an impact on protein function has been reported. The following publications have been ascertained in the context of this evaluation (PMID: 11087788, 11843700, 17598600, 15248095). ClinVar contains an entry for this variant (Variation ID: 219608). Based on the evidence outlined above, the variant was classified as pathogenic.

Athena Diagnostics
Classification: Pathogenic. Last evaluated: 2024-04-10. Review status: criteria provided, single submitter. Criteria: Athena Diagnostics Criteria. Collection method: clinical testing. Allele origin: unknown.
Comment: This variant has been identified in multiple unrelated individuals with clinical features associated with this gene. This variant has not been reported in large, multi-ethnic general populations. This variant occurs as the most likely explanation for disease in a significant number of internal cases, suggesting this variant is associated with disease. In some published literature, this variant is referred to as 1801G>A and 1583G>A (Gly527Asp).

Blueprint Genetics
Classification: Pathogenic for SPAST-related disorders. Last evaluated: 2022-12-19. Review status: criteria provided, single submitter. Criteria: ACMG Guidelines, 2015. Collection method: clinical testing. Allele origin: germline. Affected: yes. Observed: 2 variant alleles.

Genome Diagnostics Laboratory, The Hospital for Sick Children
Classification: Likely pathogenic for Hereditary spastic paraplegia. Last evaluated: 2021-11-09. Review status: criteria provided, single submitter. Criteria: ACMG Guidelines, 2015. Collection method: clinical testing. Allele origin: germline. Affected: yes.

Clinical Genetics Laboratory, University Hospital Schleswig-Holstein
Classification: Pathogenic for Hereditary spastic paraplegia 4. Last evaluated: 2024-05-16. Review status: no assertion criteria provided. Collection method: clinical testing. Allele origin: germline. Affected: yes. Not counted in ClinVar's aggregate classification.

Literature cited by the submitters: PubMed 11087788 (cited by 4 submitters); PubMed 11843700 (cited by 4 submitters); PubMed 15248095 (cited by 3 submitters); PubMed 17598600 (cited by 4 submitters); PubMed 20718791 (cited by 3 submitters); PubMed 22960362 (cited by Labcorp Genetics (formerly Invitae), Labcorp and Athena Diagnostics); PubMed 33397523 (cited by Mayo Clinic Laboratories, Mayo Clinic and Athena Diagnostics); PubMed 35487127 (cited by Athena Diagnostics); PubMed 30937429 (cited by Athena Diagnostics); PubMed 31285604 (cited by Athena Diagnostics); PubMed 18410514 (cited by Athena Diagnostics); PubMed 26986070 (cited by Athena Diagnostics); PubMed 24453961 (cited by Athena Diagnostics).

NM_014946.4(SPAST):c.1676G>A (p.Gly559Asp)

Gene: SPAST (spastin; plus strand). Cytogenetic location: 2p22.3.
Variant type: single nucleotide variant.
Coding change: c.1676G>A on transcript NM_014946.4 (MANE Select); coding-DNA position 1676, G replaced by A.
Protein change: p.Gly559Asp; replaces glycine 559 with aspartic acid.
Molecular consequence: missense variant. On other transcripts: intron variant (1).
Genome position (GRCh38, 1-based): chr2:32,144,996, G>A. VCF-style: chr2-32144996-G-A. GRCh37 (hg19) VCF-style: chr2-32370065-G-A.
Other names: c.1673G>A, p.Gly558Asp (NM_001363823.2); c.1577G>A, p.Gly526Asp (NM_001363875.2); c.1580G>A, p.Gly527Asp (NM_199436.2); c.1520+1581G>A (NM_001377959.1); short protein forms G559D, G526D, G558D, G527D.
Identifiers: ClinVar variation 219608 (VCV000219608.25), dbSNP rs864622179, ClinGen allele CA349419.
Genomic context (GRCh38, chr2:32,144,996, plus strand): 5'-GAATGACTGATGGATACTCAGGAAGTGACCTAACAGCTTTGGCAAAAGATGCAGCACTGG[G>A]TCCTATCCGAGGTAGGTATACAAGAGCTTAAAACATTTAGAACTATTTATTATACCACCT-3'
Protein context (NP_055761.2, residues 549-569): LTALAKDAAL[Gly559Asp]PIRELKPEQV